The following is an entry in ClinVar:

NM_000548.5(TSC2):c.1231G>T (p.Val411Leu)

Gene: TSC2 (TSC complex subunit 2; plus strand). Cytogenetic location: 16p13.3.
Variant type: single nucleotide variant.
Coding change: c.1231G>T on transcript NM_000548.5 (MANE Select); coding-DNA position 1231, G replaced by T.
Protein change: p.Val411Leu; replaces valine 411 with leucine.
Molecular consequence: missense variant.
Genome position (GRCh38, 1-based): chr16:2,061,982, G>T. VCF-style: chr16-2061982-G-T. GRCh37 (hg19) VCF-style: chr16-2111983-G-T.
Other names: c.631G>T, p.Val211Leu (NM_001318831.2); c.1264G>T, p.Val422Leu (NM_001318832.2); c.1231G>T, p.Val411Leu (NM_001363528.2, NM_001077183.3, NM_001114382.3 and 3 more transcripts); c.1120G>T, p.Val374Leu (NM_001318827.2); c.1084G>T, p.Val362Leu (NM_001318829.2); short protein forms V411L, V422L, V211L, V374L, V362L.
Identifiers: ClinVar variation 566861 (VCV000566861.8), dbSNP rs1567428822, ClinGen allele CA394321240.

ClinVar aggregate classification (germline): Uncertain significance (1 of 4 stars; one submission).

Conditions:
Tuberous sclerosis 2 (TSC2). Identifiers: Orphanet 805, MedGen C1860707, MONDO:0013199, OMIM 613254.

Submission:

Labcorp Genetics (formerly Invitae), Labcorp
Classification: Uncertain significance for Tuberous sclerosis 2. Last evaluated: 2018-05-10. Review status: criteria provided, single submitter. Criteria: Invitae Variant Classification Sherloc (09022015). Collection method: clinical testing. Allele origin: germline.
Comment: This variant has not been reported in the literature in individuals with TSC2-related disease. In summary, the available evidence is currently insufficient to determine the role of this variant in disease. Therefore, it has been classified as a Variant of Uncertain Significance. Algorithms developed to predict the effect of missense changes on protein structure and function do not agree on the potential impact of this missense change (SIFT: "Deleterious"; PolyPhen-2: "Benign"; Align-GVGD: "Class C0"). This variant is not present in population databases (ExAC no frequency). This sequence change replaces valine with leucine at codon 411 of the TSC2 protein (p.Val411Leu). The valine residue is highly conserved and there is a small physicochemical difference between valine and leucine.